The following is an entry in ClinVar:

NM_153252.5(BRWD3):c.5089C>T (p.Arg1697Ter)

Gene: BRWD3 (bromodomain and WD repeat domain containing 3; minus strand). Cytogenetic location: Xq21.1.
Variant type: single nucleotide variant.
Coding change: c.5089C>T on transcript NM_153252.5 (MANE Select); coding-DNA position 5089, C replaced by T.
Protein change: p.Arg1697Ter; replaces arginine 1697 with a stop codon.
Molecular consequence: nonsense.
Genome position (GRCh38, 1-based): chrX:80,676,929, G>A on the plus strand (C>T on the coding strand, the complement: BRWD3 is on the minus strand). VCF-style: chrX-80676929-G-A. GRCh37 (hg19) VCF-style: chrX-79932428-G-A.
Other names: short protein forms R1697*.
Identifiers: ClinVar variation 620311 (VCV000620311.2), dbSNP rs1569242657, ClinGen allele CA413746603.

ClinVar aggregate classification (germline): Pathogenic (1 of 4 stars; one submission).

Submission:

GeneDx
Classification: Pathogenic. Last evaluated: 2024-10-30. Review status: criteria provided, single submitter. Criteria: GeneDx Variant Classification Process June 2021. Collection method: clinical testing. Allele origin: germline. Affected: yes.
Comment: Not observed at significant frequency in large population cohorts (gnomAD); Nonsense variant predicted to result in protein truncation as the last 106 amino acids are lost; Has not been previously published as pathogenic or benign to our knowledge